The following is an entry in ClinVar:

ClinVar aggregate classification (germline): Uncertain significance (1 of 4 stars; one submission).

Submission:

Labcorp Genetics (formerly Invitae), Labcorp
Classification: Uncertain significance. Last evaluated: 2023-05-15. Review status: criteria provided, single submitter. Criteria: Invitae Variant Classification Sherloc (09022015). Collection method: clinical testing. Allele origin: germline.
Comment: This sequence change replaces serine, which is neutral and polar, with asparagine, which is neutral and polar, at codon 849 of the LRRK1 protein (p.Ser849Asn). This variant is not present in population databases (gnomAD no frequency). In summary, the available evidence is currently insufficient to determine the role of this variant in disease. Therefore, it has been classified as a Variant of Uncertain Significance. An algorithm developed to predict the effect of missense changes on protein structure and function (PolyPhen-2) suggests that this variant is likely to be tolerated. ClinVar contains an entry for this variant (Variation ID: 2054424). This variant has not been reported in the literature in individuals affected with LRRK1-related conditions.

NM_024652.6(LRRK1):c.2546G>A (p.Ser849Asn)

Genes: LRRK1 (leucine rich repeat kinase 1; plus strand), LOC126862255 (CDK7 strongly-dependent group 2 enhancer GRCh37_chr15:101567313-101568512; plus strand). Cytogenetic location: 15q26.3.
Variant type: single nucleotide variant.
Coding change: c.2546G>A on transcript NM_024652.6 (MANE Select); coding-DNA position 2546, G replaced by A.
Protein change: p.Ser849Asn; replaces serine 849 with asparagine.
Molecular consequence: missense variant.
Genome position (GRCh38, 1-based): chr15:101,027,657, G>A. VCF-style: chr15-101027657-G-A. GRCh37 (hg19) VCF-style: chr15-101567862-G-A.
Other names: short protein forms S849N.
Identifiers: ClinVar variation 2054424 (VCV002054424.4), dbSNP rs2505387942, ClinGen allele CA393965779.